The following is an entry in ClinVar:

ClinVar aggregate classification (germline): Uncertain significance (1 of 4 stars; one submission).

Submission:

Labcorp Genetics (formerly Invitae), Labcorp
Classification: Uncertain significance. Last evaluated: 2024-02-20. Review status: criteria provided, single submitter. Criteria: Invitae Variant Classification Sherloc (09022015). Collection method: clinical testing. Allele origin: germline.
Comment: This variant, c.2430_2438del, results in the deletion of 3 amino acid(s) of the CACNA1E protein (p.Asn812_Leu814del), but otherwise preserves the integrity of the reading frame. This variant is not present in population databases (gnomAD no frequency). This variant has not been reported in the literature in individuals affected with CACNA1E-related conditions. Experimental studies and prediction algorithms are not available or were not evaluated, and the functional significance of this variant is currently unknown. In summary, the available evidence is currently insufficient to determine the role of this variant in disease. Therefore, it has been classified as a Variant of Uncertain Significance.

NM_001205293.3(CACNA1E):c.2430_2438del (p.806NPL[2])

Gene: CACNA1E (calcium voltage-gated channel subunit alpha1 E; plus strand). Cytogenetic location: 1q25.3.
Variant type: Deletion.
Coding change: c.2430_2438del on transcript NM_001205293.3 (MANE Select); coding-DNA positions 2430 to 2438, 9 bases deleted (CCTCAACCC; older notation c.2430_2438delCCTCAACCC).
Protein change: p.806NPL[2].
Molecular consequence: inframe deletion.
Genome position (GRCh38, 1-based): chr1:181,732,516-181,732,524, CCTCAACCC deleted; deleting any 9 consecutive bases within chr1:181,732,508-181,732,524 gives the same sequence; the c. name uses the placement nearest the transcript's 3' end. VCF-style (leftmost placement, unchanged base first): chr1-181732507-GCTCAACCCC-G. GRCh37 (hg19) VCF-style: chr1-181701643-GCTCAACCCC-G.
Other names: c.2430_2438del, p.806NPL[2] (NM_000721.4); c.2373_2381del, p.787NPL[2] (NM_001205294.2).
Identifiers: ClinVar variation 2695173 (VCV002695173.3), dbSNP rs2528693556, ClinGen allele CA2697554726.